The following is an entry in ClinVar:

ClinVar aggregate classification (germline): Uncertain significance (1 of 4 stars; one submission).

Submission:

GeneDx
Classification: Uncertain significance. Last evaluated: 2023-09-29. Review status: criteria provided, single submitter. Criteria: GeneDx Variant Classification Process June 2021. Collection method: clinical testing. Allele origin: germline. Affected: yes.
Comment: Not observed at significant frequency in large population cohorts (gnomAD); In silico analysis supports that this missense variant has a deleterious effect on protein structure/function; Has not been previously published as pathogenic or benign to our knowledge

NM_002968.3(SALL1):c.2983C>G (p.Arg995Gly)

Gene: SALL1 (spalt like transcription factor 1; minus strand). Cytogenetic location: 16q12.1.
Variant type: single nucleotide variant.
Coding change: c.2983C>G on transcript NM_002968.3 (MANE Select); coding-DNA position 2983, C replaced by G.
Protein change: p.Arg995Gly; replaces arginine 995 with glycine.
Molecular consequence: missense variant.
Genome position (GRCh38, 1-based): chr16:51,139,239, G>C on the plus strand (C>G on the coding strand, the complement: SALL1 is on the minus strand). VCF-style: chr16-51139239-G-C. GRCh37 (hg19) VCF-style: chr16-51173150-G-C.
Other names: c.2692C>G, p.Arg898Gly (NM_001127892.2); short protein forms R898G, R995G.
Identifiers: ClinVar variation 1703901 (VCV001703901.4), dbSNP rs746135021, ClinGen allele CA281300889.